The following is an entry in ClinVar:

NM_001330260.2(SCN8A):c.2256C>A (p.Asp752Glu)

Gene: SCN8A (sodium voltage-gated channel alpha subunit 8; plus strand). Cytogenetic location: 12q13.13.
Variant type: single nucleotide variant.
Coding change: c.2256C>A on transcript NM_001330260.2 (MANE Select); coding-DNA position 2256, C replaced by A.
Protein change: p.Asp752Glu; replaces aspartic acid 752 with glutamic acid.
Molecular consequence: missense variant.
Genome position (GRCh38, 1-based): chr12:51,751,479, C>A. VCF-style: chr12-51751479-C-A. GRCh37 (hg19) VCF-style: chr12-52145263-C-A.
Other names: c.2256C>A, p.Asp752Glu (NM_001177984.3, NM_001369788.1, NM_014191.4); short protein forms D752E.
Identifiers: ClinVar variation 3367061 (VCV003367061.2).

ClinVar aggregate classification (germline): Uncertain significance. Review status: criteria provided, multiple submitters, no conflicts (2 of 4 stars). 2 submissions from 2 submitters: Uncertain significance (2). Last evaluated 2025-12-11.

Conditions:
Developmental and epileptic encephalopathy, 13 (DEE13). Also called: Developmental and Epileptic Encephalopathy (SCN8A-DEE); Early infantile epileptic encephalopathy 13; SCN8A-Related Epilepsy. Identifiers: Orphanet 442835, MedGen C3281191, MONDO:0013801, OMIM 614558.
Early-infantile DEE. Also called: Ohtahara syndrome; Early infantile epileptic encephalopathy; Early infantile epileptic encephalopathy with suppression bursts. Identifiers: Orphanet 1934, MedGen C0393706, MONDO:0800491.

gnomAD v4.1: 2 of 1,613,866 alleles (0.00012%); highest among the groups gnomAD compares: Non-Finnish European, 0.00017%; no homozygotes.

Submissions (2):

Labcorp Genetics (formerly Invitae), Labcorp
Classification: Uncertain significance for Early-infantile DEE. Last evaluated: 2025-12-11. Review status: criteria provided, single submitter. Criteria: Invitae Variant Classification Sherloc (09022015). Collection method: clinical testing. Allele origin: germline.
Comment: This sequence change replaces aspartic acid, which is acidic and polar, with glutamic acid, which is acidic and polar, at codon 752 of the SCN8A protein (p.Asp752Glu). This variant is not present in population databases (gnomAD no frequency). This variant has not been reported in the literature in individuals affected with SCN8A-related conditions. ClinVar contains an entry for this variant (Variation ID: 3367061). Invitae Evidence Modeling of protein sequence and biophysical properties (such as structural, functional, and spatial information, amino acid conservation, physicochemical variation, residue mobility, and thermodynamic stability) indicates that this missense variant is expected to disrupt SCN8A protein function with a positive predictive value of 95%. In summary, the available evidence is currently insufficient to determine the role of this variant in disease. Therefore, it has been classified as a Variant of Uncertain Significance.

Neuberg Centre For Genomic Medicine, NCGM
Classification: Uncertain significance for Developmental and epileptic encephalopathy, 13. Last evaluated: 2023-05-20. Review status: criteria provided, single submitter. Criteria: ACMG Guidelines, 2015. Collection method: clinical testing. Allele origin: germline. Inheritance: Autosomal dominant inheritance. Affected: yes.
Comment: The missense c.2256C>A (p.Asp752Glu) variant in the SCN8A gene has not been reported previously as a pathogenic variant nor as a benign variant, to our knowledge. This variant is absent in the gnomAD Exomes. The amino acid Aspartic acid at position 752 is changed to a Glutamic acid changing protein sequence and it might alter its composition and physico-chemical properties. Multiple lines of computational evidence (Polyphen - Damaging, SIFT – Damaging and MutationTaster - Disease causing) predict a damaging effect on protein structure and function for this variant. The amino acid Aspartic acid in SCN8A is predicted as conserved by GERP++ and PhyloP across 100 vertebrates. For these reasons, this variant has been classified as Uncertain Significance.